The following is an entry in ClinVar:

NM_003000.3(SDHB):c.359A>T (p.Asn120Ile)

Gene: SDHB (succinate dehydrogenase complex iron sulfur subunit B; minus strand). Cytogenetic location: 1p36.13.
Variant type: single nucleotide variant.
Coding change: c.359A>T on transcript NM_003000.3 (MANE Select); coding-DNA position 359, A replaced by T.
Protein change: p.Asn120Ile; replaces asparagine 120 with isoleucine.
Molecular consequence: missense variant.
Genome position (GRCh38, 1-based): chr1:17,028,664, T>A on the plus strand (A>T on the coding strand, the complement: SDHB is on the minus strand). VCF-style: chr1-17028664-T-A. GRCh37 (hg19) VCF-style: chr1-17355159-T-A.
Other names: c.359A>T, p.Asn120Ile (NM_001407361.1); short protein forms N120I.
Identifiers: ClinVar variation 3074941 (VCV003074941.1), dbSNP rs1553177746, ClinGen allele CA338274508.
Genomic context (GRCh38, chr1:17,028,664, plus strand): 5'-ACAAGATCCTTTATCACATACATGTGTGGAAGAGGGTAGATTTTTGAGACCTTATTGAGG[T>A]TGGTGTCAATCCTTCGGGTGCAAGCTAGAGTGTTGCCTCCATTGATGTTCATTGCACAAG-3'
Protein context (NP_002991.2, residues 110-130): TLACTRRIDT[Asn120Ile]LNKVSKIYPL

ClinVar aggregate classification (germline): Uncertain significance (1 of 4 stars; one submission).

Conditions:
Hereditary pheochromocytoma and paraganglioma. Also called: Hereditary pheochromocytoma-paraganglioma; Hereditary Paraganglioma-Pheochromocytoma Syndromes; Hereditary paragangliomas and pheochromocytomas. Identifiers: Orphanet 29072, MedGen C4274332, MONDO:0017366.

Submission:

All of Us Research Program, National Institutes of Health
Classification: Uncertain significance for Hereditary pheochromocytoma and paraganglioma. Last evaluated: 2023-12-13. Review status: criteria provided, single submitter. Criteria: ACMG Guidelines, 2015. Collection method: clinical testing. Allele origin: germline. Inheritance: Autosomal dominant inheritance. Observed: 1 variant allele, 1 heterozygote.
Comment: This missense variant replaces asparagine with isoleucine at codon 120 of the SDHB protein. Computational prediction is inconclusive regarding the impact of this variant on protein structure and function (internally defined REVEL score threshold 0.5 < inconclusive < 0.7, PMID: 27666373). To our knowledge, functional studies have not been reported for this variant. This variant has not been reported in individuals affected with SDHB-related disorders in the literature. This variant has not been identified in the general population by the Genome Aggregation Database (gnomAD). The available evidence is insufficient to determine the role of this variant in disease conclusively. Therefore, this variant is classified as a Variant of Uncertain Significance.

This study involves interpretation of variants in research participants for the purpose of population health screening. Participant phenotype was not available at the time of variant classification. Additional details can be found in publication PMID: 35346344, PMCID: PMC8962531